The following is an entry in ClinVar:

NM_002439.5(MSH3):c.2530_2534del (p.Gly844fs)

Gene: MSH3 (mutS homolog 3; plus strand). Cytogenetic location: 5q14.1.
Variant type: Deletion.
Coding change: c.2530_2534del on transcript NM_002439.5 (MANE Select); coding-DNA positions 2530 to 2534, 5 bases deleted (GGAGA; older notation c.2530_2534delGGAGA).
Protein change: p.Gly844fs; shifts the reading frame from glycine 844.
Molecular consequence: frameshift variant.
Genome position (GRCh38, 1-based): chr5:80,787,659-80,787,663, GGAGA deleted; deleting any 5 consecutive bases within chr5:80,787,658-80,787,663 gives the same sequence; the c. name uses the placement nearest the transcript's 3' end. VCF-style (leftmost placement, unchanged base first): chr5-80787657-AAGGAG-A. GRCh37 (hg19) VCF-style: chr5-80083476-AAGGAG-A.
Other names: c.2530_2534delGGAGA (NM_002439.3); short protein forms G844fs.
Identifiers: ClinVar variation 1073685 (VCV001073685.8), dbSNP rs2112020385, ClinGen allele CA2499217955.

ClinVar aggregate classification (germline): Pathogenic. Review status: criteria provided, multiple submitters, no conflicts (2 of 4 stars). 2 submissions from 2 submitters: Pathogenic (2). Last evaluated 2024-12-24.

Conditions:
Hereditary cancer-predisposing syndrome. Also called: Tumor predisposition; Hereditary neoplastic syndrome; Neoplastic Syndromes, Hereditary; Hereditary Cancer Syndrome. Identifiers: Orphanet 140162, MedGen C0027672, MeSH D009386, MONDO:0015356.

Submissions (2):

Ambry Genetics
Classification: Pathogenic for Hereditary cancer-predisposing syndrome. Last evaluated: 2024-12-24. Review status: criteria provided, single submitter. Criteria: Ambry Variant Classification Scheme 2023. Collection method: clinical testing. Allele origin: germline.
Comment: The c.2530_2534delGGAGA pathogenic mutation, located in coding exon 18 of the MSH3 gene, results from a deletion of 5 nucleotides at nucleotide positions 2530 to 2534, causing a translational frameshift with a predicted alternate stop codon (p.G844Lfs*23). This alteration is expected to result in loss of function by premature protein truncation or nonsense-mediated mRNA decay. As such, this alteration is interpreted as a disease-causing mutation.

Labcorp Genetics (formerly Invitae), Labcorp
Classification: Pathogenic. Last evaluated: 2024-03-19. Review status: criteria provided, single submitter. Criteria: Invitae Variant Classification Sherloc (09022015). Collection method: clinical testing. Allele origin: germline.
Comment: This sequence change creates a premature translational stop signal (p.Gly844Leufs*23) in the MSH3 gene. It is expected to result in an absent or disrupted protein product. Loss-of-function variants in MSH3 are known to be pathogenic (PMID: 27476653, 37402566). This variant is not present in population databases (gnomAD no frequency). This variant has not been reported in the literature in individuals affected with MSH3-related conditions. ClinVar contains an entry for this variant (Variation ID: 1073685). For these reasons, this variant has been classified as Pathogenic.

Literature cited by the submitters: PubMed 27476653 (cited by Labcorp Genetics (formerly Invitae), Labcorp); PubMed 37402566 (cited by Labcorp Genetics (formerly Invitae), Labcorp).